The following is an entry in ClinVar:

NM_001197104.2(KMT2A):c.5711T>C (p.Val1904Ala)

Gene: KMT2A (lysine methyltransferase 2A; plus strand). Cytogenetic location: 11q23.3.
Variant type: single nucleotide variant.
Coding change: c.5711T>C on transcript NM_001197104.2 (MANE Select); coding-DNA position 5711, T replaced by C.
Protein change: p.Val1904Ala; replaces valine 1904 with alanine.
Molecular consequence: missense variant.
Genome position (GRCh38, 1-based): chr11:118,497,982, T>C. VCF-style: chr11-118497982-T-C. GRCh37 (hg19) VCF-style: chr11-118368697-T-C.
Other names: c.5801T>C, p.Val1934Ala (NM_001412597.1); c.5702T>C, p.Val1901Ala (NM_005933.4); short protein forms V1901A, V1904A, V1934A.
Identifiers: ClinVar variation 3343831 (VCV003343831.1).

ClinVar aggregate classification (germline): Uncertain significance (1 of 4 stars; one submission).

Submission:

GeneDx
Classification: Uncertain significance. Last evaluated: 2023-05-21. Review status: criteria provided, single submitter. Criteria: GeneDx Variant Classification Process June 2021. Collection method: clinical testing. Allele origin: germline. Affected: yes.
Comment: Not observed at significant frequency in large population cohorts (gnomAD); In silico analysis supports that this missense variant has a deleterious effect on protein structure/function; Has not been previously published as pathogenic or benign to our knowledge